The following is an entry in ClinVar:

ClinVar aggregate classification (germline): Uncertain significance. Review status: criteria provided, multiple submitters, no conflicts (2 of 4 stars). 4 submissions from 4 submitters: Uncertain significance (4). Last evaluated 2026-08-17.

Conditions:
FG syndrome (FGS). Identifiers: MedGen C0220769, MONDO:0002010.
MED12-Related Disorders. Also called: MED12-related condition; MED12-related disorder. Identifiers: MedGen CN381102.
Familial thoracic aortic aneurysm and aortic dissection (TAAD). Also called: Thoracic aortic aneurysms and dissections. Identifiers: Orphanet 91387, MedGen C4707243, MONDO:0019625.

Allele frequency attached by ClinVar (database versions not stated): gnomAD exomes 0.00001; gnomAD 0.00004; TOPMed 0.00010.
gnomAD v4.1: 18 of 1,209,535 alleles (0.0015%); highest among the groups gnomAD compares: Admixed American, 0.011%; no homozygotes.

Submissions (4):

PreventionGenetics, part of Exact Sciences
Classification: Uncertain significance for MED12-related condition. Last evaluated: 2026-08-17. Review status: criteria provided, single submitter. Criteria: ACMG Guidelines, 2015. Collection method: clinical testing. Allele origin: germline.
Comment: The MED12 c.5966G>A variant is predicted to result in the amino acid substitution p.Arg1989His. To our knowledge, this variant has not been reported in the literature. This variant is reported in 0.0036% of alleles in individuals of Latino descent in gnomAD. Although we suspect that this variant may be benign, at this time, the clinical significance of this variant is uncertain due to the absence of conclusive functional and genetic evidence.

Labcorp Genetics (formerly Invitae), Labcorp
Classification: Uncertain significance for FG syndrome. Last evaluated: 2025-11-21. Review status: criteria provided, single submitter. Criteria: Invitae Variant Classification Sherloc (09022015). Collection method: clinical testing. Allele origin: germline.
Comment: This sequence change replaces arginine, which is basic and polar, with histidine, which is basic and polar, at codon 1989 of the MED12 protein (p.Arg1989His). This variant is not present in population databases (gnomAD no frequency). This variant has not been reported in the literature in individuals affected with MED12-related conditions. ClinVar contains an entry for this variant (Variation ID: 1461176). Invitae Evidence Modeling of protein sequence and biophysical properties (such as structural, functional, and spatial information, amino acid conservation, physicochemical variation, residue mobility, and thermodynamic stability) indicates that this missense variant is expected to disrupt MED12 protein function with a positive predictive value of 95%. In summary, the available evidence is currently insufficient to determine the role of this variant in disease. Therefore, it has been classified as a Variant of Uncertain Significance.

Ambry Genetics
Classification: Uncertain significance for Familial thoracic aortic aneurysm and aortic dissection. Last evaluated: 2022-05-04. Review status: criteria provided, single submitter. Criteria: Ambry Variant Classification Scheme 2023. Collection method: clinical testing. Allele origin: germline.

Revvity Omics, Revvity
Classification: Uncertain significance. Last evaluated: 2021-12-29. Review status: criteria provided, single submitter. Criteria: ACMG Guidelines, 2015. Collection method: clinical testing. Allele origin: germline.

NM_005120.3(MED12):c.5966G>A (p.Arg1989His)

Gene: MED12 (mediator complex subunit 12; plus strand). Cytogenetic location: Xq13.1.
Variant type: single nucleotide variant.
Coding change: c.5966G>A on transcript NM_005120.3 (MANE Select); coding-DNA position 5966, G replaced by A.
Protein change: p.Arg1989His; replaces arginine 1989 with histidine.
Molecular consequence: missense variant.
Genome position (GRCh38, 1-based): chrX:71,137,865, G>A. VCF-style: chrX-71137865-G-A. GRCh37 (hg19) VCF-style: chrX-70357715-G-A.
Other names: c.5966G>A (NM_005120.2); short protein forms R1989H.
Identifiers: ClinVar variation 1461176 (VCV001461176.10), dbSNP rs1569482448, ClinGen allele CA413539456.